The following is an entry in ClinVar:

ClinVar aggregate classification (germline): Benign/Likely benign. Review status: criteria provided, multiple submitters, no conflicts (2 of 4 stars). 2 submissions from 2 submitters: Benign (1); Likely benign (1). Last evaluated 2018-08-01.

Allele frequency attached by ClinVar (database versions not stated): gnomAD 0.00001; gnomAD exomes 0.00004 and 0.00005; ExAC 0.00009.

Submissions (2):

CeGaT Center for Human Genetics Tuebingen
Classification: Likely benign. Last evaluated: 2018-08-01. Review status: criteria provided, single submitter. Criteria: CeGaT Center For Human Genetics Tuebingen Variant Classification Criteria Version 2. Collection method: clinical testing. Allele origin: germline. Affected: yes. Observed: 1 variant allele.

GeneDx
Classification: Benign. Last evaluated: 2014-02-25. Review status: criteria provided, single submitter. Criteria: GeneDx Variant Classification (06012015). Collection method: clinical testing. Allele origin: germline. Affected: yes.
Comment: This variant is considered likely benign or benign based on one or more of the following criteria: it is a conservative change, it occurs at a poorly conserved position in the protein, it is predicted to be benign by multiple in silico algorithms, and/or has population frequency not consistent with disease.

NM_000748.3(CHRNB2):c.297T>C (p.Phe99=)

Gene: CHRNB2 (cholinergic receptor nicotinic beta 2 subunit; plus strand). Cytogenetic location: 1q21.3.
Variant type: single nucleotide variant.
Coding change: c.297T>C on transcript NM_000748.3 (MANE Select); coding-DNA position 297, T replaced by C.
Protein change: p.Phe99=; no amino-acid change (phenylalanine 99 retained).
Molecular consequence: synonymous variant.
Genome position (GRCh38, 1-based): chr1:154,570,299, T>C. VCF-style: chr1-154570299-T-C. GRCh37 (hg19) VCF-style: chr1-154542775-T-C.
Other names: p.F99F:TTT>TTC.
Identifiers: ClinVar variation 205056 (VCV000205056.43), dbSNP rs777276160, ClinGen allele CA313629.